The following is an entry in ClinVar:

ClinVar aggregate classification (germline): Uncertain significance (1 of 4 stars; one submission).

Submission:

GeneDx
Classification: Uncertain significance. Last evaluated: 2023-07-13. Review status: criteria provided, single submitter. Criteria: GeneDx Variant Classification Process June 2021. Collection method: clinical testing. Allele origin: germline. Affected: yes.
Comment: Not observed at significant frequency in large population cohorts (gnomAD); In silico analysis supports that this missense variant has a deleterious effect on protein structure/function; Has not been previously published as pathogenic or benign to our knowledge

NM_003136.4(SRP54):c.695A>T (p.Gln232Leu)

Gene: SRP54 (signal recognition particle 54; plus strand). Cytogenetic location: 14q13.2.
Variant type: single nucleotide variant.
Coding change: c.695A>T on transcript NM_003136.4 (MANE Select); coding-DNA position 695, A replaced by T.
Protein change: p.Gln232Leu; replaces glutamine 232 with leucine.
Molecular consequence: missense variant.
Genome position (GRCh38, 1-based): chr14:35,013,404, A>T. VCF-style: chr14-35013404-A-T. GRCh37 (hg19) VCF-style: chr14-35482610-A-T.
Other names: c.548A>T, p.Gln183Leu (NM_001146282.2); c.695A>T, p.Gln232Leu (NM_001411017.1); short protein forms Q183L, Q232L.
Identifiers: ClinVar variation 3360929 (VCV003360929.1).